The following is an entry in ClinVar:

ClinVar aggregate classification (germline): Uncertain significance (1 of 4 stars; one submission).

Submission:

GeneDx
Classification: Uncertain significance. Last evaluated: 2026-03-12. Review status: criteria provided, single submitter. Criteria: GeneDx Variant Classification Process June 2021. Collection method: clinical testing. Allele origin: germline.
Comment: Not observed at significant frequency in large population cohorts (gnomAD); In silico analysis suggests that this missense variant does not alter protein structure/function; Has not been previously published as pathogenic or benign to our knowledge.

NM_020987.5(ANK3):c.11630C>T (p.Pro3877Leu)

Gene: ANK3 (ankyrin 3; minus strand). Cytogenetic location: 10q21.2.
Variant type: single nucleotide variant.
Coding change: c.11630C>T on transcript NM_020987.5 (MANE Select); coding-DNA position 11630, C replaced by T.
Protein change: p.Pro3877Leu; replaces proline 3877 with leucine.
Molecular consequence: missense variant. On other transcripts: intron variant (4).
Genome position (GRCh38, 1-based): chr10:60,069,251, G>A on the plus strand (C>T on the coding strand, the complement: ANK3 is on the minus strand). VCF-style: chr10-60069251-G-A. GRCh37 (hg19) VCF-style: chr10-61829009-G-A.
Other names: c.4388-1242C>T (NM_001204403.2); c.4409-1242C>T (NM_001204404.2); c.4406-1242C>T (NM_001320874.2); c.1808-1242C>T (NM_001149.4); short protein forms P3877L.
Identifiers: ClinVar variation 5008824 (VCV005008824.1).